The following is an entry in ClinVar:

NM_001365999.1(SZT2):c.6396+2C>T

Gene: SZT2 (SZT2 subunit of KICSTOR complex; plus strand). Cytogenetic location: 1p34.2.
Variant type: single nucleotide variant.
Coding change: c.6396+2C>T on transcript NM_001365999.1 (MANE Select); the canonical splice donor site of the intron after coding-DNA position 6396, C replaced by T.
Molecular consequence: splice donor variant.
Genome position (GRCh38, 1-based): chr1:43,437,702, C>T. VCF-style: chr1-43437702-C-T. GRCh37 (hg19) VCF-style: chr1-43903373-C-T.
Other names: c.6225+2C>T (NM_015284.3, NM_015284.4).
Identifiers: ClinVar variation 3780687 (VCV003780687.2).

ClinVar aggregate classification (germline): Likely pathogenic. Review status: criteria provided, multiple submitters, no conflicts (2 of 4 stars). 2 submissions from 2 submitters: Likely pathogenic (2). Last evaluated 2026-05-23.

Conditions:
Developmental and epileptic encephalopathy, 18 (DEE18). Also called: Early infantile epileptic encephalopathy 18. Identifiers: Orphanet 369894, MedGen C3809624, MONDO:0014201, OMIM 615476.
SZT2-related disorder. Also called: SZT2-related condition.

gnomAD v4.1: 14 of 1,614,032 alleles (0.00087%); highest among the groups gnomAD compares: Middle Eastern, 0.016%; no homozygotes.

Submissions (2):

PreventionGenetics, part of Exact Sciences
Classification: Likely pathogenic for SZT2-related condition. Last evaluated: 2026-05-23. Review status: criteria provided, single submitter. Criteria: ACMG Guidelines, 2015. Collection method: clinical testing. Allele origin: germline.
Comment: The SZT2 c.6225+2C>T variant is predicted to interfere with splicing. To our knowledge, this variant has not been reported in the literature. This variant is reported in 0.020% of alleles in individuals of Ashkenazi Jewish descent in gnomAD. Frameshift variants in SZT2 are expected to be pathogenic. This variant is interpreted as likely pathogenic.

Department of Pathology and Laboratory Medicine, Sinai Health System
Classification: Likely pathogenic for Developmental and epileptic encephalopathy, 18. Last evaluated: 2023-07-26. Review status: criteria provided, single submitter. Criteria: ACMG Guidelines, 2015. Collection method: research. Allele origin: germline.